The following is an entry in ClinVar:

GRCh37/hg19 16p13.11(chr16:15126709-16292235)

Genes: ABCC1 (ATP binding cassette subfamily C member 1 (ABCC1 blood group); plus strand), ABCC6 (ATP binding cassette subfamily C member 6; minus strand), BMERB1 (bMERB domain containing 1; plus strand), CEP20 (centrosomal protein 20; minus strand), MARF1 (meiosis regulator and mRNA stability factor 1; minus strand) and 7 more. Cytogenetic location: 16p13.11.
Variant type: copy number gain.
Identifiers: ClinVar variation 625570 (VCV000625570.1).

ClinVar aggregate classification (germline): Pathogenic (1 of 4 stars; one submission).

Submission:

Baylor Genetics
Classification: Pathogenic. Last evaluated: 2018-11-01. Review status: criteria provided, single submitter. Criteria: ACMG CNV Guidelines, 2011. Collection method: clinical testing. Allele origin: maternal. Affected: yes. Observed: 1 variant allele.
Comment: This 16p13.11 microduplication is associated with varied clinical features including behavioral abnormalities, cognitive impairment, congenital heart defects and skeletal manifestations [PMID:21150890]